The following is an entry in ClinVar:

NM_020911.2(PLXNA4):c.441C>T (p.Phe147=)

Gene: PLXNA4 (plexin A4; minus strand). Cytogenetic location: 7q32.3.
Variant type: single nucleotide variant.
Coding change: c.441C>T on transcript NM_020911.2 (MANE Select); coding-DNA position 441, C replaced by T.
Protein change: p.Phe147=; no amino-acid change (phenylalanine 147 retained).
Molecular consequence: synonymous variant.
Genome position (GRCh38, 1-based): chr7:132,508,253, G>A on the plus strand (C>T on the coding strand, the complement: PLXNA4 is on the minus strand). VCF-style: chr7-132508253-G-A. GRCh37 (hg19) VCF-style: chr7-132193012-G-A.
Other names: c.441C>T, p.Phe147= (NM_001105543.2, NM_001393897.1, NM_181775.4).
Identifiers: ClinVar variation 3048531 (VCV003048531.2), dbSNP rs999816013, ClinGen allele CA167317182.

ClinVar aggregate classification (germline): Likely benign (0 of 4 stars; one submission).

Conditions:
PLXNA4-related disorder. Also called: PLXNA4-related condition.

Allele frequency attached by ClinVar (database versions not stated): gnomAD 0.00001; gnomAD exomes 0.00002; TOPMed 0.00002.
gnomAD v4.1: 27 of 1,614,082 alleles (0.0017%); highest among the groups gnomAD compares: East Asian, 0.0022%; 1 homozygote.

Submission:

PreventionGenetics, part of Exact Sciences
Classification: Likely benign for PLXNA4-related condition. Last evaluated: 2023-01-12. Review status: no assertion criteria provided. Collection method: clinical testing. Allele origin: germline.
Comment: This variant is classified as likely benign based on ACMG/AMP sequence variant interpretation guidelines (Richards et al. 2015 PMID: 25741868, with internal and published modifications).